The following is an entry in ClinVar:

NM_001276270.2(MBD4):c.77T>A (p.Leu26Gln)

Gene: MBD4 (methyl-CpG binding domain 4, DNA glycosylase; minus strand). Cytogenetic location: 3q21.3.
Variant type: single nucleotide variant.
Coding change: c.77T>A on transcript NM_001276270.2 (MANE Select); coding-DNA position 77, T replaced by A.
Protein change: p.Leu26Gln; replaces leucine 26 with glutamine.
Molecular consequence: missense variant.
Genome position (GRCh38, 1-based): chr3:129,439,757, A>T on the plus strand (T>A on the coding strand, the complement: MBD4 is on the minus strand). VCF-style: chr3-129439757-A-T. GRCh37 (hg19) VCF-style: chr3-129158600-A-T.
Other names: c.77T>A, p.Leu26Gln (NM_001276271.2, NM_001276272.2, NM_001276273.2 and 1 more transcripts); short protein forms L26Q.
Identifiers: ClinVar variation 4624409 (VCV004624409.1).
Genomic context (GRCh38, chr3:129,439,757, plus strand): 5'-GAAACTGAGGCCCAAAAGGGGACAGTAACTTACCGGAGGTCATTCGGCGGGTCTGGGACT[A>T]GGCGCTCACTAGAGGTGACGGTGGGGGCAGCTCCGCGGTCCCCCAGACTCAGACTCTCCA-3'
Protein context (NP_001263199.1, residues 16-36): AAPTVTSSER[Leu26Gln]VPDPPNDLRK

ClinVar aggregate classification (germline): Uncertain significance (1 of 4 stars; one submission).

Conditions:
Inborn genetic diseases. Identifiers: MedGen C0950123, MeSH D030342.

Submission:

Ambry Genetics
Classification: Uncertain significance for Inborn genetic diseases. Last evaluated: 2025-10-26. Review status: criteria provided, single submitter. Criteria: Ambry Variant Classification Scheme 2023. Collection method: clinical testing. Allele origin: germline.
Comment: The p.L26Q variant (also known as c.77T>A), located in coding exon 1 of the MBD4 gene, results from a T to A substitution at nucleotide position 77. The leucine at codon 26 is replaced by glutamine, an amino acid with dissimilar properties. This amino acid position is conserved. In addition, this alteration is predicted to be tolerated by in silico analysis. Based on the available evidence, the clinical significance of this variant remains unclear.